The following is an entry in ClinVar:

NM_001165963.4(SCN1A):c.3124del (p.Gln1042fs)

Genes: SCN1A (sodium voltage-gated channel alpha subunit 1; minus strand), LOC102724058 (uncharacterized LOC102724058; plus strand). Cytogenetic location: 2q24.3.
Variant type: Deletion.
Coding change: c.3124del on transcript NM_001165963.4 (MANE Select); coding-DNA position 3124, one base deleted (C; older notation c.3124delC).
Protein change: p.Gln1042fs; shifts the reading frame from glutamine 1042.
Molecular consequence: frameshift variant. On other transcripts: non-coding transcript variant (2).
Genome position (GRCh38, 1-based): chr2:166,036,353, G deleted on the plus strand (C on the coding strand, the reverse complement: SCN1A is on the minus strand). VCF-style (leftmost placement, unchanged base first): chr2-166036352-TG-T. GRCh37 (hg19) VCF-style: chr2-166892862-TG-T.
Other names: c.3040del, p.Gln1014fs (NM_001165964.3, NM_001353957.2, NM_001353958.2); c.3124del, p.Gln1042fs (NM_001202435.3, NM_001353948.2); c.3091del, p.Gln1031fs (NM_001353949.2, NM_001353950.2, NM_001353951.2 and 2 more transcripts); c.3088del, p.Gln1030fs (NM_001353954.2, NM_001353955.2); c.3037del, p.Gln1013fs (NM_001353960.2); c.682del, p.Gln228fs (NM_001353961.2); short protein forms Q1030fs, Q1014fs, Q1013fs, Q1031fs, Q1042fs, Q228fs.
Identifiers: ClinVar variation 2082416 (VCV002082416.4), dbSNP rs2468079150, ClinGen allele CA2580064331.

ClinVar aggregate classification (germline): Pathogenic (1 of 4 stars; one submission).

Conditions:
Early-infantile DEE. Also called: Ohtahara syndrome; Early infantile epileptic encephalopathy with suppression bursts; Early infantile epileptic encephalopathy. Identifiers: Orphanet 1934, MedGen C0393706, MONDO:0800491.

Submission:

Labcorp Genetics (formerly Invitae), Labcorp
Classification: Pathogenic for Early-infantile DEE. Last evaluated: 2023-11-27. Review status: criteria provided, single submitter. Criteria: Invitae Variant Classification Sherloc (09022015). Collection method: clinical testing. Allele origin: germline.
Comment: This sequence change creates a premature translational stop signal (p.Gln1042Lysfs*4) in the SCN1A gene. It is expected to result in an absent or disrupted protein product. Loss-of-function variants in SCN1A are known to be pathogenic (PMID: 17347258, 18930999). This variant is not present in population databases (gnomAD no frequency). This variant has not been reported in the literature in individuals affected with SCN1A-related conditions. ClinVar contains an entry for this variant (Variation ID: 2082416). For these reasons, this variant has been classified as Pathogenic.

Literature cited by the submitters: PubMed 17347258; PubMed 18930999.